The following is an entry in ClinVar:

NM_182961.4(SYNE1):c.15181C>G (p.Pro5061Ala)

Gene: SYNE1 (spectrin repeat containing nuclear envelope protein 1; minus strand). Cytogenetic location: 6q25.2.
Variant type: single nucleotide variant.
Coding change: c.15181C>G on transcript NM_182961.4 (MANE Select); coding-DNA position 15181, C replaced by G.
Protein change: p.Pro5061Ala; replaces proline 5061 with alanine.
Molecular consequence: missense variant.
Genome position (GRCh38, 1-based): chr6:152,326,408, G>C on the plus strand (C>G on the coding strand, the complement: SYNE1 is on the minus strand). VCF-style: chr6-152326408-G-C. GRCh37 (hg19) VCF-style: chr6-152647543-G-C.
Other names: c.14968C>G, p.Pro4990Ala (NM_033071.5); short protein forms P4990A, P5061A.
Identifiers: ClinVar variation 283295 (VCV000283295.14), dbSNP rs886042595, ClinGen allele CA10604453.

ClinVar aggregate classification (germline): Uncertain significance. Review status: criteria provided, multiple submitters, no conflicts (2 of 4 stars). 2 submissions from 2 submitters: Uncertain significance (2). Last evaluated 2024-03-04.

Conditions:
Autosomal recessive ataxia, Beauce type. Also called: Spinocerebellar ataxia, autosomal recessive 8; ATAXIA, RECESSIVE, OF BEAUCE; SYNE1-Related Autosomal Recessive Cerebellar Ataxia; SYNE1 Deficiency. Identifiers: Orphanet 88644, MedGen C1853116, MONDO:0012549, OMIM 610743.
Emery-Dreifuss muscular dystrophy 4, autosomal dominant (EDMD4). Also called: EMERY-DREIFUSS MUSCULAR DYSTROPHY 4 WITH VARIABLE FEATURES. Identifiers: Orphanet 261, MedGen C2751807, MONDO:0013071, OMIM 612998.

Submissions (2):

Labcorp Genetics (formerly Invitae), Labcorp
Classification: Uncertain significance for Emery-Dreifuss muscular dystrophy 4, autosomal dominant; Autosomal recessive ataxia, Beauce type. Last evaluated: 2024-03-04. Review status: criteria provided, single submitter. Criteria: Invitae Variant Classification Sherloc (09022015). Collection method: clinical testing. Allele origin: germline.
Comment: This sequence change replaces proline, which is neutral and non-polar, with alanine, which is neutral and non-polar, at codon 4990 of the SYNE1 protein (p.Pro4990Ala). This variant is not present in population databases (gnomAD no frequency). This variant has not been reported in the literature in individuals affected with SYNE1-related conditions. ClinVar contains an entry for this variant (Variation ID: 283295). An algorithm developed to predict the effect of missense changes on protein structure and function (PolyPhen-2) suggests that this variant is likely to be tolerated. In summary, the available evidence is currently insufficient to determine the role of this variant in disease. Therefore, it has been classified as a Variant of Uncertain Significance.

Eurofins Ntd Llc (ga)
Classification: Uncertain significance. Last evaluated: 2015-09-10. Review status: criteria provided, single submitter. Criteria: EGL Classification Definitions 2015. Collection method: clinical testing. Allele origin: germline. Observed: 1 variant allele, 1 heterozygote.